The following is an entry in ClinVar:

ClinVar aggregate classification (germline): Uncertain significance (1 of 4 stars; one submission).

Conditions:
Autosomal recessive Alport syndrome (ATS2). Also called: ALPORT SYNDROME 2, AUTOSOMAL RECESSIVE; Alport syndrome type 2; COL4A4 Alport Syndrome and Thin Basement Membrane Nephropathy; COL4A3-Related Nephropathy. Identifiers: Orphanet 63, Orphanet 88919, MedGen C4746745, MONDO:0008762, OMIM 203780.

Submission:

3billion
Classification: Uncertain significance for Autosomal recessive Alport syndrome. Last evaluated: 2025-10-08. Review status: criteria provided, single submitter. Criteria: ACMG Guidelines, 2015. Collection method: clinical testing. Allele origin: germline. Affected: yes.
Comment: The variant is not observed in the gnomAD v4.1.0 dataset. Predicted Consequence/Location: Missense variant In silico tool predictions suggest damaging effect of the variant on gene or gene product [REVEL: 0.97 (>=0.6, sensitivity 0.68 and specificity 0.92)]. Different missense changes at the same codon (p.Cys1683Gly, p.Cys1683Tyr) have been reported as pathogenic/likely pathogenic with strong evidence (ClinVar ID: VCV000553809 /PMID: 26809805, 33772369). Therefore, this variant is classified as VUS according to the recommendation of ACMG/AMP guideline.

Literature cited by the submitters: PubMed 26809805.

NM_000092.5(COL4A4):c.5047T>C (p.Cys1683Arg)

Gene: COL4A4 (collagen type IV alpha 4 chain; minus strand). Cytogenetic location: 2q36.3.
Variant type: single nucleotide variant.
Coding change: c.5047T>C on transcript NM_000092.5 (MANE Select); coding-DNA position 5047, T replaced by C.
Protein change: p.Cys1683Arg; replaces cysteine 1683 with arginine.
Molecular consequence: missense variant.
Genome position (GRCh38, 1-based): chr2:227,007,351, A>G on the plus strand (T>C on the coding strand, the complement: COL4A4 is on the minus strand). VCF-style: chr2-227007351-A-G. GRCh37 (hg19) VCF-style: chr2-227872067-A-G.
Other names: short protein forms C1683R.
Identifiers: ClinVar variation 4856172 (VCV004856172.1).